The following is an entry in ClinVar:

ClinVar aggregate classification (germline): Uncertain significance (1 of 4 stars; one submission).

Conditions:
Cardiovascular phenotype. Identifiers: MedGen CN230736.

gnomAD v4.1: 1 of 1,614,172 alleles (0.000062%); highest among the groups gnomAD compares: Middle Eastern, 0.016%; no homozygotes.

Submission:

Molecular Diagnostic Laboratory for Inherited Cardiovascular Disease, Montreal Heart Institute
Classification: Uncertain significance for Cardiovascular phenotype. Last evaluated: 2026-09-21. Review status: criteria provided, single submitter. Criteria: ACMG Guidelines, 2015. Collection method: clinical testing. Allele origin: germline. Affected: yes.
Comment: PM2, PP2

NM_000088.4(COL1A1):c.3630C>G (p.His1210Gln)

Gene: COL1A1 (collagen type I alpha 1 chain; minus strand). Cytogenetic location: 17q21.33.
Variant type: single nucleotide variant.
Coding change: c.3630C>G on transcript NM_000088.4 (MANE Select); coding-DNA position 3630, C replaced by G.
Protein change: p.His1210Gln; replaces histidine 1210 with glutamine.
Molecular consequence: missense variant.
Genome position (GRCh38, 1-based): chr17:50,186,824, G>C on the plus strand (C>G on the coding strand, the complement: COL1A1 is on the minus strand). VCF-style: chr17-50186824-G-C. GRCh37 (hg19) VCF-style: chr17-48264185-G-C.
Other names: short protein forms H1210Q.
Identifiers: ClinVar variation 5037796 (VCV005037796.1), dbSNP rs745320719.